The following is an entry in ClinVar:

NM_000051.4(ATM):c.782C>G (p.Thr261Ser)

Gene: ATM (ATM serine/threonine kinase; plus strand). Cytogenetic location: 11q22.3.
Variant type: single nucleotide variant.
Coding change: c.782C>G on transcript NM_000051.4 (MANE Select); coding-DNA position 782, C replaced by G.
Protein change: p.Thr261Ser; replaces threonine 261 with serine.
Molecular consequence: missense variant.
Genome position (GRCh38, 1-based): chr11:108,244,907, C>G. VCF-style: chr11-108244907-C-G. GRCh37 (hg19) VCF-style: chr11-108115634-C-G.
Other names: c.782C>G, p.Thr261Ser (NM_001351834.2); short protein forms T261S.
Identifiers: ClinVar variation 2760485 (VCV002760485.3), dbSNP rs2135240713, ClinGen allele CA382529335.

ClinVar aggregate classification (germline): Uncertain significance (1 of 4 stars; one submission).

Conditions:
Ataxia-telangiectasia syndrome (AT). Also called: LOUIS-BAR SYNDROME; AT, COMPLEMENTATION GROUP C; ATAXIA-TELANGIECTASIA, COMPLEMENTATION GROUP A; ATAXIA-TELANGIECTASIA, FRESNO VARIANT; Ataxia-telangiectasia; Cerebello-oculocutaneous telangiectasia. Identifiers: Orphanet 100, MedGen C0004135, MONDO:0008840, OMIM 208900.

Submission:

Labcorp Genetics (formerly Invitae), Labcorp
Classification: Uncertain significance for Ataxia-telangiectasia syndrome. Last evaluated: 2023-09-18. Review status: criteria provided, single submitter. Criteria: Invitae Variant Classification Sherloc (09022015). Collection method: clinical testing. Allele origin: germline.
Comment: This sequence change replaces threonine, which is neutral and polar, with serine, which is neutral and polar, at codon 261 of the ATM protein (p.Thr261Ser). In summary, the available evidence is currently insufficient to determine the role of this variant in disease. Therefore, it has been classified as a Variant of Uncertain Significance. An algorithm developed to predict the effect of missense changes on protein structure and function (PolyPhen-2) suggests that this variant is likely to be tolerated. This variant has not been reported in the literature in individuals affected with ATM-related conditions. This variant is not present in population databases (gnomAD no frequency).